The following is an entry in ClinVar:

NM_001371986.1(UNC80):c.7295T>A (p.Met2432Lys)

Gene: UNC80 (unc-80 subunit of NALCN channel complex; plus strand). Cytogenetic location: 2q34.
Variant type: single nucleotide variant.
Coding change: c.7295T>A on transcript NM_001371986.1 (MANE Select); coding-DNA position 7295, T replaced by A.
Protein change: p.Met2432Lys; replaces methionine 2432 with lysine.
Molecular consequence: missense variant.
Genome position (GRCh38, 1-based): chr2:209,954,108, T>A. VCF-style: chr2-209954108-T-A. GRCh37 (hg19) VCF-style: chr2-210818832-T-A.
Other names: c.7097T>A, p.Met2366Lys (NM_032504.2); c.7082T>A, p.Met2361Lys (NM_182587.4); short protein forms M2361K, M2366K, M2432K.
Identifiers: ClinVar variation 2807688 (VCV002807688.3), dbSNP rs1346798547, ClinGen allele CA350775132.

ClinVar aggregate classification (germline): Uncertain significance (1 of 4 stars; one submission).

Submission:

Labcorp Genetics (formerly Invitae), Labcorp
Classification: Uncertain significance. Last evaluated: 2025-06-02. Review status: criteria provided, single submitter. Criteria: Invitae Variant Classification Sherloc (09022015). Collection method: clinical testing. Allele origin: germline.
Comment: This sequence change replaces methionine, which is neutral and non-polar, with lysine, which is basic and polar, at codon 2366 of the UNC80 protein (p.Met2366Lys). This variant is not present in population databases (gnomAD no frequency). This variant has not been reported in the literature in individuals affected with UNC80-related conditions. ClinVar contains an entry for this variant (Variation ID: 2807688). Invitae Evidence Modeling of protein sequence and biophysical properties (such as structural, functional, and spatial information, amino acid conservation, physicochemical variation, residue mobility, and thermodynamic stability) indicates that this missense variant is not expected to disrupt UNC80 protein function with a negative predictive value of 80%. In summary, the available evidence is currently insufficient to determine the role of this variant in disease. Therefore, it has been classified as a Variant of Uncertain Significance.